The following is an entry in ClinVar:

ClinVar aggregate classification (germline): Uncertain significance (1 of 4 stars; one submission).

Allele frequency attached by ClinVar (database versions not stated): gnomAD exomes below 0.00001; TOPMed below 0.00001; gnomAD 0.00001.
gnomAD v4.1: 3 of 1,610,348 alleles (0.00019%); highest among the groups gnomAD compares: Middle Eastern, 0.017%; no homozygotes.

Submission:

Labcorp Genetics (formerly Invitae), Labcorp
Classification: Uncertain significance. Last evaluated: 2023-08-10. Review status: criteria provided, single submitter. Criteria: Invitae Variant Classification Sherloc (09022015). Collection method: clinical testing. Allele origin: germline.
Comment: This sequence change replaces glycine, which is neutral and non-polar, with aspartic acid, which is acidic and polar, at codon 508 of the TNFRSF11A protein (p.Gly508Asp). This variant is not present in population databases (gnomAD no frequency). This variant has not been reported in the literature in individuals affected with TNFRSF11A-related conditions. An algorithm developed to predict the effect of missense changes on protein structure and function (PolyPhen-2) suggests that this variant is likely to be disruptive. In summary, the available evidence is currently insufficient to determine the role of this variant in disease. Therefore, it has been classified as a Variant of Uncertain Significance.

NM_003839.4(TNFRSF11A):c.1523G>A (p.Gly508Asp)

Gene: TNFRSF11A (TNF receptor superfamily member 11a; plus strand). Cytogenetic location: 18q21.33.
Variant type: single nucleotide variant.
Coding change: c.1523G>A on transcript NM_003839.4 (MANE Select); coding-DNA position 1523, G replaced by A.
Protein change: p.Gly508Asp; replaces glycine 508 with aspartic acid.
Molecular consequence: missense variant. On other transcripts: intron variant (3).
Genome position (GRCh38, 1-based): chr18:62,369,440, G>A. VCF-style: chr18-62369440-G-A. GRCh37 (hg19) VCF-style: chr18-60036673-G-A.
Other names: c.616+9391G>A (NM_001270951.2); c.1481G>A, p.Gly494Asp (NM_001278268.2); c.783+2680G>A (NM_001270949.2); c.730+7647G>A (NM_001270950.2); short protein forms G494D, G508D.
Identifiers: ClinVar variation 2796483 (VCV002796483.3), dbSNP rs1244233449, ClinGen allele CA402618164.
Genomic context (GRCh38, chr18:62,369,440, plus strand): 5'-AGGCCAGAGACCAGCCCGAGGATGGGGCTGATGGGAGGCTCCCAAGCTCAGCGAGGGCAG[G>A]TGCCGGGTCTGGAAGCTCCCCTGGTGGCCAGTCCCCTGCATCTGGTAAGTGACTTCCCAG-3'
Protein context (NP_003830.1, residues 498-518): DGRLPSSARA[Gly508Asp]AGSGSSPGGQ